The following is an entry in ClinVar:

NM_020070.4(IGLL1):c.550G>A (p.Glu184Lys)

Gene: IGLL1 (immunoglobulin lambda like polypeptide 1; minus strand). Cytogenetic location: 22q11.23.
Variant type: single nucleotide variant.
Coding change: c.550G>A on transcript NM_020070.4 (MANE Select); coding-DNA position 550, G replaced by A.
Protein change: p.Glu184Lys; replaces glutamic acid 184 with lysine.
Molecular consequence: missense variant. On other transcripts: 3 prime UTR variant (1).
Genome position (GRCh38, 1-based): chr22:23,573,358, C>T on the plus strand (G>A on the coding strand, the complement: IGLL1 is on the minus strand). VCF-style: chr22-23573358-C-T. GRCh37 (hg19) VCF-style: chr22-23915545-C-T.
Other names: c.553G>A, p.Glu185Lys (NM_001369906.1); c.*179G>A (NM_152855.3); short protein forms E184K, E185K.
Identifiers: ClinVar variation 1054982 (VCV001054982.9), dbSNP rs199906829, ClinGen allele CA10143231.
Genomic context (GRCh38, chr22:23,573,358, plus strand): 5'-CCACGGTGCTCCCTTCGTGCATGACCTGGCAGCTGTAGCTTCTGCGGGACCTCCACTGCT[C>T]GGGCGTCAGGCTCAGGTAGCTGCTGGCCGCGTACTTGTTGTTGCTCTGTTTGGAGGGCGT-3'
Protein context (NP_064455.1, residues 174-194): AASSYLSLTP[Glu184Lys]QWRSRRSYSC

ClinVar aggregate classification (germline): Uncertain significance (1 of 4 stars; one submission).

Conditions:
Agammaglobulinemia 2, autosomal recessive (AGM2). Also called: AGAMMAGLOBULINEMIA, AUTOSOMAL RECESSIVE, DUE TO IGLL1 DEFECT. Identifiers: MedGen C3150750, MONDO:0013287, OMIM 613500.

Allele frequency attached by ClinVar (database versions not stated): gnomAD 0.00009; TOPMed 0.00009; gnomAD exomes 0.00012 and 0.00021; ExAC 0.00021.
gnomAD v4.1: 183 of 1,613,988 alleles (0.011%); highest among the groups gnomAD compares: South Asian, 0.13%; 2 homozygotes.

Submission:

Labcorp Genetics (formerly Invitae), Labcorp
Classification: Uncertain significance for Agammaglobulinemia 2, autosomal recessive. Last evaluated: 2025-07-16. Review status: criteria provided, single submitter. Criteria: Invitae Variant Classification Sherloc (09022015). Collection method: clinical testing. Allele origin: germline.
Comment: This sequence change replaces glutamic acid, which is acidic and polar, with lysine, which is basic and polar, at codon 184 of the IGLL1 protein (p.Glu184Lys). This variant is present in population databases (rs199906829, gnomAD 0.1%), and has an allele count higher than expected for a pathogenic variant. This variant has not been reported in the literature in individuals affected with IGLL1-related conditions. ClinVar contains an entry for this variant (Variation ID: 1054982). An algorithm developed to predict the effect of missense changes on protein structure and function (PolyPhen-2) suggests that this variant is likely to be tolerated. In summary, the available evidence is currently insufficient to determine the role of this variant in disease. Therefore, it has been classified as a Variant of Uncertain Significance.